The following is an entry in ClinVar:

ClinVar aggregate classification (germline): Uncertain significance (1 of 4 stars; one submission).

Conditions:
Legius syndrome. Identifiers: Orphanet 137605, MedGen C1969623, MONDO:0012669, OMIM 611431. Disease mechanism: loss of function.

gnomAD v4.1: 2 of 1,613,784 alleles (0.00012%); highest among the groups gnomAD compares: Middle Eastern, 0.017%; no homozygotes.

Submission:

Labcorp Genetics (formerly Invitae), Labcorp
Classification: Uncertain significance for Legius syndrome. Last evaluated: 2025-02-27. Review status: criteria provided, single submitter. Criteria: Invitae Variant Classification Sherloc (09022015). Collection method: clinical testing. Allele origin: germline.
Comment: This sequence change replaces arginine, which is basic and polar, with leucine, which is neutral and non-polar, at codon 16 of the SPRED1 protein (p.Arg16Leu). This variant is present in population databases (rs757726772, gnomAD 0.003%). This variant has not been reported in the literature in individuals affected with SPRED1-related conditions. ClinVar contains an entry for this variant (Variation ID: 2189483). Invitae Evidence Modeling of protein sequence and biophysical properties (such as structural, functional, and spatial information, amino acid conservation, physicochemical variation, residue mobility, and thermodynamic stability) has been performed for this missense variant. However, the output from this modeling did not meet the statistical confidence thresholds required to predict the impact of this variant on SPRED1 protein function. In summary, the available evidence is currently insufficient to determine the role of this variant in disease. Therefore, it has been classified as a Variant of Uncertain Significance.

NM_152594.3(SPRED1):c.47G>T (p.Arg16Leu)

Gene: SPRED1 (sprouty related EVH1 domain containing 1; plus strand). Cytogenetic location: 15q14.
Variant type: single nucleotide variant.
Coding change: c.47G>T on transcript NM_152594.3 (MANE Select); coding-DNA position 47, G replaced by T.
Protein change: p.Arg16Leu; replaces arginine 16 with leucine.
Molecular consequence: missense variant.
Genome position (GRCh38, 1-based): chr15:38,299,387, G>T. VCF-style: chr15-38299387-G-T. GRCh37 (hg19) VCF-style: chr15-38591588-G-T.
Other names: short protein forms R16L.
Identifiers: ClinVar variation 2189483 (VCV002189483.4), dbSNP rs757726772, ClinGen allele CA7469989.